The following is an entry in ClinVar:

NM_003051.4(SLC16A1):c.749A>T (p.Asn250Ile)

Gene: SLC16A1 (solute carrier family 16 member 1; minus strand). Cytogenetic location: 1p13.2.
Variant type: single nucleotide variant.
Coding change: c.749A>T on transcript NM_003051.4 (MANE Select); coding-DNA position 749, A replaced by T.
Protein change: p.Asn250Ile; replaces asparagine 250 with isoleucine.
Molecular consequence: missense variant.
Genome position (GRCh38, 1-based): chr1:112,917,657, T>A on the plus strand (A>T on the coding strand, the complement: SLC16A1 is on the minus strand). VCF-style: chr1-112917657-T-A. GRCh37 (hg19) VCF-style: chr1-113460279-T-A.
Other names: c.749A>T, p.Asn250Ile (NM_001166496.2); short protein forms N250I.
Identifiers: ClinVar variation 3771885 (VCV003771885.13).
Genomic context (GRCh38, chr1:112,917,657, plus strand): 5'-TTTCCAGAGAGGTATAGCAAAAAGCCTCTGTGGGTGAATAGGGTTAAGTCCAGGAACTGA[T>A]TAATTGTTTGGAAGACTGATCGTTTCTCTTGTTTAGGGTGTCTTCCAATAAGATCTGTAT-3'
Protein context (NP_003042.3, residues 240-260): QEKRSVFQTI[Asn250Ile]QFLDLTLFTH

ClinVar aggregate classification (germline): Uncertain significance (1 of 4 stars; one submission).

Submission:

CeGaT Center for Human Genetics Tuebingen
Classification: Uncertain significance. Last evaluated: 2024-12-01. Review status: criteria provided, single submitter. Criteria: CeGaT Center For Human Genetics Tuebingen Variant Classification Criteria Version 2. Collection method: clinical testing. Allele origin: germline. Affected: yes. Observed: 1 variant allele.
Comment: SLC16A1: PM2, BP4